The following is an entry in ClinVar:

NM_053025.4(MYLK):c.2785C>A (p.Leu929Met)

Gene: MYLK (myosin light chain kinase; minus strand). Cytogenetic location: 3q21.1.
Variant type: single nucleotide variant.
Coding change: c.2785C>A on transcript NM_053025.4 (MANE Select); coding-DNA position 2785, C replaced by A.
Protein change: p.Leu929Met; replaces leucine 929 with methionine.
Molecular consequence: missense variant.
Genome position (GRCh38, 1-based): chr3:123,700,683, G>T on the plus strand (C>A on the coding strand, the complement: MYLK is on the minus strand). VCF-style: chr3-123700683-G-T. GRCh37 (hg19) VCF-style: chr3-123419530-G-T.
Other names: c.2257C>A, p.Leu753Met (NM_001321309.2); c.2578C>A, p.Leu860Met (NM_053026.4, NM_053028.4); c.2785C>A, p.Leu929Met (NM_053027.4); short protein forms L929M, L860M, L753M.
Identifiers: ClinVar variation 2845562 (VCV002845562.3), dbSNP rs2474181505, ClinGen allele CA354231352.
Genomic context (GRCh38, chr3:123,700,683, plus strand): 5'-GGGGGCTGTGCACCTTCCTCTCTTCCTCAGACACAGTCTTTGGCTTCACTTGCCGCTGCA[G>T]GTTGGCACGGAAATCCATCTGCTCGGCTGGGATCTCCTTCAGGTCGTCTTCCGATAGGGT-3'
Protein context (NP_444253.3, residues 919-939): PAEQMDFRAN[Leu929Met]QRQVKPKTVS

ClinVar aggregate classification (germline): Uncertain significance (1 of 4 stars; one submission).

Conditions:
Aortic aneurysm, familial thoracic 7 (AAT7). Also called: AORTIC DISSECTION, FAMILIAL, WITH OR WITHOUT AORTIC ANEURYSM. Identifiers: MedGen C3151077, MONDO:0013418, OMIM 613780.

Submission:

Labcorp Genetics (formerly Invitae), Labcorp
Classification: Uncertain significance for Aortic aneurysm, familial thoracic 7. Last evaluated: 2024-01-13. Review status: criteria provided, single submitter. Criteria: Invitae Variant Classification Sherloc (09022015). Collection method: clinical testing. Allele origin: germline.
Comment: This sequence change replaces leucine, which is neutral and non-polar, with methionine, which is neutral and non-polar, at codon 929 of the MYLK protein (p.Leu929Met). This variant is not present in population databases (gnomAD no frequency). This variant has not been reported in the literature in individuals affected with MYLK-related conditions. Advanced modeling of protein sequence and biophysical properties (such as structural, functional, and spatial information, amino acid conservation, physicochemical variation, residue mobility, and thermodynamic stability) performed at Invitae indicates that this missense variant is not expected to disrupt MYLK protein function with a negative predictive value of 80%. In summary, the available evidence is currently insufficient to determine the role of this variant in disease. Therefore, it has been classified as a Variant of Uncertain Significance.